The following is an entry in ClinVar:

ClinVar aggregate classification (germline): Uncertain significance (1 of 4 stars; one submission).

Submission:

Ambry Genetics
Classification: Uncertain significance. Last evaluated: 2023-07-17. Review status: criteria provided, single submitter. Criteria: Ambry Variant Classification Scheme 2023. Collection method: clinical testing. Allele origin: germline.
Comment: The p.A1173P variant (also known as c.3517G>C), located in coding exon 4 of the ALPK2 gene, results from a G to C substitution at nucleotide position 3517. The alanine at codon 1173 is replaced by proline, an amino acid with highly similar properties. This amino acid position is conserved. In addition, this alteration is predicted to be tolerated by in silico analysis. Since supporting evidence is limited at this time, the clinical significance of this alteration remains unclear.

NM_052947.4(ALPK2):c.3517G>C (p.Ala1173Pro)

Gene: ALPK2 (alpha kinase 2; minus strand). Cytogenetic location: 18q21.31.
Variant type: single nucleotide variant.
Coding change: c.3517G>C on transcript NM_052947.4 (MANE Select); coding-DNA position 3517, G replaced by C.
Protein change: p.Ala1173Pro; replaces alanine 1173 with proline.
Molecular consequence: missense variant.
Genome position (GRCh38, 1-based): chr18:58,536,670, C>G on the plus strand (G>C on the coding strand, the complement: ALPK2 is on the minus strand). VCF-style: chr18-58536670-C-G. GRCh37 (hg19) VCF-style: chr18-56203902-C-G.
Other names: short protein forms A1173P.
Identifiers: ClinVar variation 2624517 (VCV002624517.2), dbSNP rs745721563, ClinGen allele CA402566586.